The following is an entry in ClinVar:

ClinVar aggregate classification (germline): Uncertain significance (1 of 4 stars; one submission).

gnomAD v4.1: 28 of 1,613,964 alleles (0.0017%); highest among the groups gnomAD compares: Admixed American, 0.005%; no homozygotes.

Submission:

Labcorp Genetics (formerly Invitae), Labcorp
Classification: Uncertain significance. Last evaluated: 2022-06-18. Review status: criteria provided, single submitter. Criteria: Invitae Variant Classification Sherloc (09022015). Collection method: clinical testing. Allele origin: germline.
Comment: This sequence change replaces arginine, which is basic and polar, with histidine, which is basic and polar, at codon 56 of the MYO5B protein (p.Arg56His). This variant is present in population databases (rs138743872, gnomAD 0.006%). This variant has not been reported in the literature in individuals affected with MYO5B-related conditions. ClinVar contains an entry for this variant (Variation ID: 1054553). Algorithms developed to predict the effect of missense changes on protein structure and function output the following: SIFT: "Tolerated"; PolyPhen-2: "Benign"; Align-GVGD: "Class C0". The histidine amino acid residue is found in multiple mammalian species, which suggests that this missense change does not adversely affect protein function. In summary, the available evidence is currently insufficient to determine the role of this variant in disease. Therefore, it has been classified as a Variant of Uncertain Significance.

NM_001080467.3(MYO5B):c.167G>A (p.Arg56His)

Gene: MYO5B (myosin VB; minus strand). Cytogenetic location: 18q21.1.
Variant type: single nucleotide variant.
Coding change: c.167G>A on transcript NM_001080467.3 (MANE Select); coding-DNA position 167, G replaced by A.
Protein change: p.Arg56His; replaces arginine 56 with histidine.
Molecular consequence: missense variant.
Genome position (GRCh38, 1-based): chr18:50,040,286, C>T on the plus strand (G>A on the coding strand, the complement: MYO5B is on the minus strand). VCF-style: chr18-50040286-C-T. GRCh37 (hg19) VCF-style: chr18-47566656-C-T.
Other names: short protein forms R56H.
Identifiers: ClinVar variation 1054553 (VCV001054553.4), dbSNP rs138743872, ClinGen allele CA8961958.